The following is an entry in ClinVar:

ClinVar aggregate classification (germline): Uncertain significance (1 of 4 stars; one submission).

Conditions:
Hypokalemic periodic paralysis, type 1. Also called: HypoPP; Hypokalemic Periodic Paralysis Type 1 (AD). Identifiers: Orphanet 681, MedGen C3714580, MONDO:0042979, OMIM 170400.
Malignant hyperthermia, susceptibility to, 5 (MHS5). Also called: CACNA1S-Related Malignant Hyperthermia Susceptibility. Identifiers: Orphanet 423, MedGen C1866077, MONDO:0011163, OMIM 601887.

Submission:

Labcorp Genetics (formerly Invitae), Labcorp
Classification: Uncertain significance for Hypokalemic periodic paralysis, type 1; Malignant hyperthermia, susceptibility to, 5. Last evaluated: 2023-08-04. Review status: criteria provided, single submitter. Criteria: Invitae Variant Classification Sherloc (09022015). Collection method: clinical testing. Allele origin: germline.
Comment: In summary, the available evidence is currently insufficient to determine the role of this variant in disease. Therefore, it has been classified as a Variant of Uncertain Significance. Advanced modeling of protein sequence and biophysical properties (such as structural, functional, and spatial information, amino acid conservation, physicochemical variation, residue mobility, and thermodynamic stability) performed at Invitae indicates that this missense variant is not expected to disrupt CACNA1S protein function. ClinVar contains an entry for this variant (Variation ID: 1429542). This variant has not been reported in the literature in individuals affected with CACNA1S-related conditions. This variant is not present in population databases (gnomAD no frequency). This sequence change replaces serine, which is neutral and polar, with glycine, which is neutral and non-polar, at codon 993 of the CACNA1S protein (p.Ser993Gly).

NM_000069.3(CACNA1S):c.2977A>G (p.Ser993Gly)

Gene: CACNA1S (calcium voltage-gated channel subunit alpha1 S; minus strand). Cytogenetic location: 1q32.1.
Variant type: single nucleotide variant.
Coding change: c.2977A>G on transcript NM_000069.3 (MANE Select); coding-DNA position 2977, A replaced by G.
Protein change: p.Ser993Gly; replaces serine 993 with glycine.
Molecular consequence: missense variant.
Genome position (GRCh38, 1-based): chr1:201,062,020, T>C on the plus strand (A>G on the coding strand, the complement: CACNA1S is on the minus strand). VCF-style: chr1-201062020-T-C. GRCh37 (hg19) VCF-style: chr1-201031148-T-C.
Other names: short protein forms S993G.
Identifiers: ClinVar variation 1429542 (VCV001429542.6), dbSNP rs2102575798, ClinGen allele CA344163425.
Genomic context (GRCh38, chr1:201,062,020, plus strand): 5'-AGGTGGAGACCGTGAAGAGGGACATCATGGCTGAGAGCACATTGTCGAAGTGGAAGTCGC[T>C]GTGTACCCACTCGCGGTGACGCAGCTCTATCTGCATGGGGTCCCCGTCCTTGTACACGTA-3'
Protein context (NP_000060.2, residues 983-1003): IELRHREWVH[Ser993Gly]DFHFDNVLSA